The following is an entry in ClinVar:

ClinVar aggregate classification (germline): Uncertain significance. Review status: criteria provided, single submitter (1 of 4 stars). 2 submissions from 2 submitters: Uncertain significance (1). 1 of the submissions does not count toward it. Last evaluated 2025-04-19.

Conditions:
PLXNA3-related disorder. Also called: PLXNA3-related condition.

Allele frequency attached by ClinVar (database versions not stated): ExAC 0.00005; gnomAD 0.00007; ESP Exome Variant Server 0.00009; gnomAD exomes 0.00009; TOPMed 0.00014.
gnomAD v4.1: 111 of 1,208,723 alleles (0.0092%); highest among the groups gnomAD compares: Admixed American, 0.011%; no homozygotes.

Submissions (2):

Ambry Genetics
Classification: Uncertain significance. Last evaluated: 2025-04-19. Review status: criteria provided, single submitter. Criteria: Ambry Variant Classification Scheme 2023. Collection method: clinical testing. Allele origin: germline.

PreventionGenetics, part of Exact Sciences
Classification: Likely benign for PLXNA3-related condition. Last evaluated: 2024-08-22. Review status: no assertion criteria provided. Collection method: clinical testing. Allele origin: germline. Not counted in ClinVar's aggregate classification.
Comment: This variant is classified as likely benign based on ACMG/AMP sequence variant interpretation guidelines (Richards et al. 2015 PMID: 25741868, with internal and published modifications).

NM_017514.5(PLXNA3):c.1048C>T (p.Arg350Trp)

Gene: PLXNA3 (plexin A3; plus strand). Cytogenetic location: Xq28.
Variant type: single nucleotide variant.
Coding change: c.1048C>T on transcript NM_017514.5 (MANE Select); coding-DNA position 1048, C replaced by T.
Protein change: p.Arg350Trp; replaces arginine 350 with tryptophan.
Molecular consequence: missense variant.
Genome position (GRCh38, 1-based): chrX:154,461,552, C>T. VCF-style: chrX-154461552-C-T. GRCh37 (hg19) VCF-style: chrX-153689892-C-T.
Other names: short protein forms R350W.
Identifiers: ClinVar variation 2458932 (VCV002458932.5), dbSNP rs150493678, ClinGen allele CA10563888.